The following is an entry in ClinVar:

NM_001365951.3(KIF1B):c.1364del (p.Thr455fs)

Gene: KIF1B (kinesin family member 1B; plus strand). Cytogenetic location: 1p36.22.
Variant type: Deletion.
Coding change: c.1364del on transcript NM_001365951.3 (MANE Select); coding-DNA position 1364, one base deleted (C; older notation c.1364delC).
Protein change: p.Thr455fs; shifts the reading frame from threonine 455.
Molecular consequence: frameshift variant.
Genome position (GRCh38, 1-based): chr1:10,282,463, C deleted. VCF-style (leftmost placement, unchanged base first): chr1-10282462-AC-A. GRCh37 (hg19) VCF-style: chr1-10342520-AC-A.
Other names: c.1364del, p.Thr455fs (NM_001365952.1); c.1226del, p.Thr409fs (NM_001365953.1, NM_015074.3, NM_183416.4); c.1226delC (NM_015074.3); short protein forms T455fs, T409fs.
Identifiers: ClinVar variation 3288427 (VCV003288427.1).

ClinVar aggregate classification (germline): Uncertain significance (1 of 4 stars; one submission).

Submission:

Ambry Genetics
Classification: Uncertain significance. Last evaluated: 2024-06-06. Review status: criteria provided, single submitter. Criteria: Ambry Variant Classification Scheme 2023. Collection method: clinical testing. Allele origin: germline.
Comment: The c.1226delC variant, located in coding exon 12 of the KIF1B gene, results from a deletion of one nucleotide at nucleotide position 1226, causing a translational frameshift with a predicted alternate stop codon (p.T409Sfs*3). This alteration is expected to result in loss of function by premature protein truncation or nonsense-mediated mRNA decay. The evidence for this gene-disease relationship is limited; therefore, the clinical significance of this alteration is unclear.